The following is an entry in ClinVar:

ClinVar aggregate classification (germline): Uncertain significance (1 of 4 stars; one submission).

Submission:

CeGaT Center for Human Genetics Tuebingen
Classification: Uncertain significance. Last evaluated: 2024-04-01. Review status: criteria provided, single submitter. Criteria: CeGaT Center For Human Genetics Tuebingen Variant Classification Criteria Version 2. Collection method: clinical testing. Allele origin: germline. Affected: yes. Observed: 1 variant allele.
Comment: PRKAG2: PM2, PP3

NM_016203.4(PRKAG2):c.950T>C (p.Met317Thr)

Gene: PRKAG2 (protein kinase AMP-activated non-catalytic subunit gamma 2; minus strand). Cytogenetic location: 7q36.1.
Variant type: single nucleotide variant.
Coding change: c.950T>C on transcript NM_016203.4 (MANE Select); coding-DNA position 950, T replaced by C.
Protein change: p.Met317Thr; replaces methionine 317 with threonine.
Molecular consequence: missense variant.
Genome position (GRCh38, 1-based): chr7:151,574,946, A>G on the plus strand (T>C on the coding strand, the complement: PRKAG2 is on the minus strand). VCF-style: chr7-151574946-A-G. GRCh37 (hg19) VCF-style: chr7-151272032-A-G.
Other names: c.818T>C, p.Met273Thr (NM_001040633.2, NM_001407024.1); c.575T>C, p.Met192Thr (NM_001304527.2, NM_001407029.1); c.227T>C, p.Met76Thr (NM_001304531.2, NM_024429.2, NM_001407034.1 and 1 more transcripts); c.578T>C, p.Met193Thr (NM_001363698.2, NM_001407028.1); c.950T>C, p.Met317Thr (NM_001407021.1); c.947T>C, p.Met316Thr (NM_001407022.1, NM_001407023.1); c.815T>C, p.Met272Thr (NM_001407026.1, NM_001407027.1); c.224T>C, p.Met75Thr (NM_001407040.1, NM_001407036.1, NM_001407039.1); and 6 more; short protein forms M192T, M193T, M209T, M211T, M220T, M221T, M272T, M273T.
Identifiers: ClinVar variation 3234665 (VCV003234665.20), dbSNP rs2536395118, ClinGen allele CA370072340.